The following is an entry in ClinVar:

NM_003640.5(ELP1):c.3326T>C (p.Val1109Ala)

Gene: ELP1 (elongator acetyltransferase complex subunit 1; minus strand). Cytogenetic location: 9q31.3.
Variant type: single nucleotide variant.
Coding change: c.3326T>C on transcript NM_003640.5 (MANE Select); coding-DNA position 3326, T replaced by C.
Protein change: p.Val1109Ala; replaces valine 1109 with alanine.
Molecular consequence: missense variant.
Genome position (GRCh38, 1-based): chr9:108,881,725, A>G on the plus strand (T>C on the coding strand, the complement: ELP1 is on the minus strand). VCF-style: chr9-108881725-A-G. GRCh37 (hg19) VCF-style: chr9-111644005-A-G.
Other names: c.2984T>C, p.Val995Ala (NM_001318360.2); c.2279T>C, p.Val760Ala (NM_001330749.2); short protein forms V1109A, V760A, V995A.
Identifiers: ClinVar variation 1011506 (VCV001011506.7), dbSNP rs1827936975, ClinGen allele CA374413121.

ClinVar aggregate classification (germline): Uncertain significance. Review status: criteria provided, single submitter (1 of 4 stars). 2 submissions from 2 submitters: Uncertain significance (1). 1 of the submissions does not count toward it. Last evaluated 2021-08-27.

Conditions:
Familial dysautonomia. Also called: FD; HSAN III. Identifiers: Orphanet 1764, MedGen C0013364, MONDO:0009131, OMIM 223900. Disease mechanism: loss of function.

Submissions (2):

Labcorp Genetics (formerly Invitae), Labcorp
Classification: Uncertain significance. Last evaluated: 2021-08-27. Review status: criteria provided, single submitter. Criteria: Invitae Variant Classification Sherloc (09022015). Collection method: clinical testing. Allele origin: germline.
Comment: This sequence change replaces valine with alanine at codon 1109 of the ELP1 protein (p.Val1109Ala). The valine residue is weakly conserved and there is a small physicochemical difference between valine and alanine. This variant is not present in population databases (ExAC no frequency). This variant has not been reported in the literature in individuals affected with ELP1-related conditions. Algorithms developed to predict the effect of missense changes on protein structure and function are either unavailable or do not agree on the potential impact of this missense change (SIFT: "Deleterious"; PolyPhen-2: "Benign"; Align-GVGD: "Class C15"). In summary, the available evidence is currently insufficient to determine the role of this variant in disease. Therefore, it has been classified as a Variant of Uncertain Significance.

Natera, Inc.
Classification: Uncertain significance for Familial dysautonomia. Last evaluated: 2021-03-11. Review status: no assertion criteria provided. Collection method: clinical testing. Allele origin: germline. Not counted in ClinVar's aggregate classification.